The following is an entry in ClinVar:

ClinVar aggregate classification (germline): Uncertain significance (1 of 4 stars; one submission).

Conditions:
Inborn genetic diseases. Identifiers: MedGen C0950123, MeSH D030342.

gnomAD v4.1: 3 of 1,533,894 alleles (0.0002%); highest among the groups gnomAD compares: East Asian, 0.0025%; no homozygotes.

Submission:

Ambry Genetics
Classification: Uncertain significance for Inborn genetic diseases. Last evaluated: 2024-12-22. Review status: criteria provided, single submitter. Criteria: Ambry Variant Classification Scheme 2023. Collection method: clinical testing. Allele origin: germline.
Comment: The p.A37V variant (also known as c.110C>T), located in coding exon 1 of the SH2B3 gene, results from a C to T substitution at nucleotide position 110. The alanine at codon 37 is replaced by valine, an amino acid with similar properties. This amino acid position is conserved. In addition, this alteration is predicted to be tolerated by in silico analysis. Based on the available evidence, the clinical significance of this variant remains unclear.

NM_005475.3(SH2B3):c.110C>T (p.Ala37Val)

Gene: SH2B3 (SH2B adaptor protein 3; plus strand). Cytogenetic location: 12q24.12.
Variant type: single nucleotide variant.
Coding change: c.110C>T on transcript NM_005475.3 (MANE Select); coding-DNA position 110, C replaced by T.
Protein change: p.Ala37Val; replaces alanine 37 with valine.
Molecular consequence: missense variant.
Genome position (GRCh38, 1-based): chr12:111,418,255, C>T. VCF-style: chr12-111418255-C-T. GRCh37 (hg19) VCF-style: chr12-111856059-C-T.
Other names: short protein forms A37V.
Identifiers: ClinVar variation 3795028 (VCV003795028.1).